The following is an entry in ClinVar:

NM_138694.4(PKHD1):c.9723dup (p.Gly3242fs)

Gene: PKHD1 (PKHD1 ciliary IPT domain containing fibrocystin/polyductin; minus strand). Cytogenetic location: 6p12.3.
Variant type: Duplication.
Coding change: c.9723dup on transcript NM_138694.4 (MANE Select); coding-DNA position 9723, one base duplicated (T; older notation c.9723dupT).
Protein change: p.Gly3242fs; shifts the reading frame from glycine 3242.
Molecular consequence: frameshift variant.
Genome position (GRCh38, 1-based): chr6:51,747,893, A duplicated on the plus strand (T on the coding strand, the reverse complement: PKHD1 is on the minus strand); the first of 2 consecutive A bases (chr6:51,747,893-51,747,894); duplicating either gives the same sequence. VCF-style (leftmost placement, unchanged base first): chr6-51747892-C-CA. GRCh37 (hg19) VCF-style: chr6-51612690-C-CA.
Other names: c.9723dupT (NM_138694.3); c.9723dup, p.Gly3242fs (NM_170724.3); short protein forms G3242fs.
Identifiers: ClinVar variation 648363 (VCV000648363.8), dbSNP rs1582436832, ClinGen allele CA915944267.

ClinVar aggregate classification (germline): Pathogenic. Review status: criteria provided, multiple submitters, no conflicts (2 of 4 stars). 2 submissions from 2 submitters: Pathogenic (2). Last evaluated 2025-04-15.

Conditions:
Polycystic kidney disease 4 (PKD4). Also called: POLYCYSTIC KIDNEY AND HEPATIC DISEASE 1; POLYCYSTIC KIDNEY DISEASE, INFANTILE, TYPE I; PKD3; POLYCYSTIC KIDNEY DISEASE 4 WITH OR WITHOUT POLYCYSTIC LIVER DISEASE; Autosomal Recessive Polycystic Kidney Disease – PKHD1. Identifiers: MedGen C4540575, MONDO:0033004, OMIM 263200.
Autosomal recessive polycystic kidney disease (ARPKD). Also called: AR polycystic kidney disease. Identifiers: Orphanet 731, Orphanet 8378, MedGen C0085548, MeSH D017044, MONDO:0009889.

Submissions (2):

Myriad Genetics, Inc.
Classification: Pathogenic for Polycystic kidney disease 4. Last evaluated: 2025-04-15. Review status: criteria provided, single submitter. Criteria: Myriad Autosomal Dominant, Autosomal Recessive and X-Linked Classification Criteria (2023). Collection method: clinical testing. Allele origin: unknown.
Comment: NM_138694.3(PKHD1):c.9723dupT(G3242Wfs*25) is expected to be pathogenic in the context of autosomal recessive polycystic kidney disease, PKHD1-related. This variant is predicted to lead to an abnormal or absent protein product due to the creation of a premature termination codon in PKHD1, a gene where loss-of-function variants are known to be pathogenic. Please note: this variant was assessed in the context of healthy population screening.

Labcorp Genetics (formerly Invitae), Labcorp
Classification: Pathogenic for Autosomal recessive polycystic kidney disease. Last evaluated: 2018-09-09. Review status: criteria provided, single submitter. Criteria: Invitae Variant Classification Sherloc (09022015). Collection method: clinical testing. Allele origin: germline.
Comment: This variant has not been reported in the literature in individuals with PKHD1-related disease. This variant is not present in population databases (ExAC no frequency). This sequence change creates a premature translational stop signal (p.Gly3242Trpfs*25) in the PKHD1 gene. It is expected to result in an absent or disrupted protein product. Loss-of-function variants in PKHD1 are known to be pathogenic (PMID: 19940839). For these reasons, this variant has been classified as Pathogenic.

Literature cited by the submitters: PubMed 19940839 (cited by Labcorp Genetics (formerly Invitae), Labcorp).